The following is an entry in ClinVar:

NM_005548.3(KARS1):c.75A>G (p.Arg25=)

Gene: KARS1 (lysyl-tRNA synthetase 1; minus strand). Cytogenetic location: 16q23.1.
Variant type: single nucleotide variant.
Coding change: c.75A>G on transcript NM_005548.3 (MANE Select); coding-DNA position 75, A replaced by G.
Protein change: p.Arg25=; no amino-acid change (arginine 25 retained).
Molecular consequence: synonymous variant. On other transcripts: 5 prime UTR variant (1).
Genome position (GRCh38, 1-based): chr16:75,641,711, T>C on the plus strand (A>G on the coding strand, the complement: KARS1 is on the minus strand). VCF-style: chr16-75641711-T-C. GRCh37 (hg19) VCF-style: chr16-75675609-T-C.
Other names: p.Arg25=; c.159A>G, p.Arg53= (NM_001130089.2); c.-394A>G (NM_001378148.1); c.75A>G (NM_005548.2).
Identifiers: ClinVar variation 226680 (VCV000226680.15), dbSNP rs5030748, ClinGen allele CA8177751.

ClinVar aggregate classification (germline): Benign. Review status: criteria provided, multiple submitters, no conflicts (2 of 4 stars). 5 submissions from 5 submitters: Benign (5). Last evaluated 2026-02-03.

Allele frequency attached by ClinVar (database versions not stated): 1000 Genomes Project 0.02975; 1000 Genomes Project 30x 0.03045; TOPMed 0.06738; gnomAD 0.06889 and 0.07063; gnomAD exomes 0.07172 and 0.09589; ExAC 0.07239; ESP Exome Variant Server 0.08126.
gnomAD v4.1: 149,821 of 1,613,536 alleles (9.3%); highest among the groups gnomAD compares: Non-Finnish European, 11%; 7,895 homozygotes.

Submissions (5):

Labcorp Genetics (formerly Invitae), Labcorp
Classification: Benign. Last evaluated: 2026-02-03. Review status: criteria provided, single submitter. Criteria: Invitae Variant Classification Sherloc (09022015). Collection method: clinical testing. Allele origin: germline.

Mayo Clinic Laboratories, Mayo Clinic
Classification: Benign. Last evaluated: 2020-07-17. Review status: criteria provided, single submitter. Criteria: ACMG Guidelines, 2015. Collection method: clinical testing. Allele origin: germline. Observed: 439 variant alleles.

GeneDx
Classification: Benign. Last evaluated: 2017-05-09. Review status: criteria provided, single submitter. Criteria: GeneDx Variant Classification (06012015). Collection method: clinical testing. Allele origin: germline. Affected: yes.
Comment: This variant is considered likely benign or benign based on one or more of the following criteria: it is a conservative change, it occurs at a poorly conserved position in the protein, it is predicted to be benign by multiple in silico algorithms, and/or has population frequency not consistent with disease.

Laboratory for Molecular Medicine, Mass General Brigham Personalized Medicine
Classification: Benign. Last evaluated: 2014-11-24. Review status: criteria provided, single submitter. Criteria: LMM Criteria. Collection method: clinical testing. Allele origin: germline. Observed: 133 variant alleles.
Comment: Arg53Arg in exon 3 of KARS: This variant is not expected to have clinical signif icance because it does not alter an amino acid residue and is not located within the splice consensus sequence. It has been identified in 11.0% (942/8600) of Eu ropean American chromosomes from a broad population by the NHLBI Exome Sequencin g Project (dbSNP rs5030748).

Breakthrough Genomics
Classification: Benign. Review status: criteria provided, single submitter. Criteria: ACMG Guidelines, 2015. Collection method: not provided. Allele origin: germline. Inheritance: Autosomal recessive inheritance. Affected: yes.